The following is an entry in ClinVar:

ClinVar aggregate classification (germline): Uncertain significance. Review status: criteria provided, multiple submitters, no conflicts (2 of 4 stars). 3 submissions from 3 submitters: Uncertain significance (3). Last evaluated 2025-06-24.

Conditions:
Inborn genetic diseases. Identifiers: MedGen C0950123, MeSH D030342.

gnomAD v4.1: 1 of 1,187,573 alleles (0.000084%); highest among the groups gnomAD compares: Non-Finnish European, 0.00011%; no homozygotes.

Submissions (3):

GeneDx
Classification: Uncertain significance. Last evaluated: 2025-06-24. Review status: criteria provided, single submitter. Criteria: GeneDx Variant Classification Process June 2021. Collection method: clinical testing. Allele origin: germline. Affected: yes.
Comment: Not observed at significant frequency in large population cohorts (gnomAD); In silico analysis supports that this missense variant has a deleterious effect on protein structure/function; Has not been previously published as pathogenic or benign to our knowledge

Ambry Genetics
Classification: Uncertain significance for Inborn genetic diseases. Last evaluated: 2024-10-01. Review status: criteria provided, single submitter. Criteria: Ambry Variant Classification Scheme 2023. Collection method: clinical testing. Allele origin: germline.

Labcorp Genetics (formerly Invitae), Labcorp
Classification: Uncertain significance. Last evaluated: 2024-07-30. Review status: criteria provided, single submitter. Criteria: Invitae Variant Classification Sherloc (09022015). Collection method: clinical testing. Allele origin: germline.
Comment: This sequence change replaces proline, which is neutral and non-polar, with leucine, which is neutral and non-polar, at codon 2363 of the USP9X protein (p.Pro2363Leu). This variant is not present in population databases (gnomAD no frequency). This variant has not been reported in the literature in individuals affected with USP9X-related conditions. An algorithm developed to predict the effect of missense changes on protein structure and function (PolyPhen-2) suggests that this variant is likely to be disruptive. In summary, the available evidence is currently insufficient to determine the role of this variant in disease. Therefore, it has been classified as a Variant of Uncertain Significance.

NM_001039591.3(USP9X):c.7088C>T (p.Pro2363Leu)

Gene: USP9X (ubiquitin specific peptidase 9 X-linked; plus strand). Cytogenetic location: Xp11.4.
Variant type: single nucleotide variant.
Coding change: c.7088C>T on transcript NM_001039591.3 (MANE Select); coding-DNA position 7088, C replaced by T.
Protein change: p.Pro2363Leu; replaces proline 2363 with leucine.
Molecular consequence: missense variant.
Genome position (GRCh38, 1-based): chrX:41,229,279, C>T. VCF-style: chrX-41229279-C-T. GRCh37 (hg19) VCF-style: chrX-41088532-C-T.
Other names: c.7088C>T, p.Pro2363Leu (NM_001039590.3); c.7103C>T, p.Pro2368Leu (NM_001410748.1, NM_001410749.1); short protein forms P2368L, P2363L.
Identifiers: ClinVar variation 3467342 (VCV003467342.4).
Genomic context (GRCh38, chrX:41,229,279, plus strand): 5'-AGATGTTTTTATTTTATATCTGGTTCTCTTTCAGAATTCATAATGCACTGAAAGGAATTC[C>T]AGATGACCGAGATGGGCTGTTTGACACAATCCAGCGCTCTAAGAATCACTATCAAAAAAG-3'
Protein context (NP_001034680.2, residues 2353-2373): HRIHNALKGI[Pro2363Leu]DDRDGLFDTI